The following is an entry in ClinVar:

ClinVar aggregate classification (germline): Uncertain significance (1 of 4 stars; one submission).

gnomAD v4.1: 2 of 1,195,517 alleles (0.00017%); highest among the groups gnomAD compares: Non-Finnish European, 0.00023%; no homozygotes.

Submission:

Women's Health and Genetics/Laboratory Corporation of America, LabCorp
Classification: Uncertain significance. Last evaluated: 2026-02-09. Review status: criteria provided, single submitter. Criteria: LabCorp Variant Classification Summary - May 2015. Collection method: clinical testing. Allele origin: germline.
Comment: Variant summary: AR c.1175C>T (p.Pro392Leu) results in a non-conservative amino acid change in the encoded protein sequence. Algorithms developed to predict the effect of missense changes on protein structure and function all suggest that this variant is likely to be disruptive. The variant was absent in 142775 control chromosomes. The available data on variant occurrences in the general population are insufficient to allow any conclusion about variant significance. c.1175C>T has been observed at least once in a cohort of male individuals affected with idiopathic infertility (Rocca_2023). This report does not provide unequivocal conclusions about association of the variant with Androgen Resistance Syndrome. At least one publication reports experimental evidence evaluating an impact on protein function, however, does not allow convincing conclusions about the variant effect (Hay_2012). The following publications have been ascertained in the context of this evaluation (PMID: 22403669, 36394509). No submitters have cited clinical-significance assessments for this variant to ClinVar. Based on the evidence outlined above, the variant was classified as uncertain significance.

Literature cited by the submitters: PubMed 22403669; PubMed 36394509.

NM_000044.6(AR):c.1175C>T (p.Pro392Leu)

Gene: AR (androgen receptor; plus strand). Cytogenetic location: Xq12.
Variant type: single nucleotide variant.
Coding change: c.1175C>T on transcript NM_000044.6 (MANE Select); coding-DNA position 1175, C replaced by T.
Protein change: p.Pro392Leu; replaces proline 392 with leucine.
Molecular consequence: missense variant. On other transcripts: 5 prime UTR variant (1).
Genome position (GRCh38, 1-based): chrX:67,546,321, C>T. VCF-style: chrX-67546321-C-T. GRCh37 (hg19) VCF-style: chrX-66766163-C-T.
Other names: c.-609C>T (NM_001011645.3); c.1175C>T, p.Pro392Leu (NM_001348061.1, NM_001348063.1, NM_001348064.1); short protein forms P392L.
Identifiers: ClinVar variation 4847952 (VCV004847952.1).